The following is an entry in ClinVar:

NM_002691.4(POLD1):c.1495-4C>T

Gene: POLD1 (DNA polymerase delta 1, catalytic subunit; plus strand). Cytogenetic location: 19q13.33.
Variant type: single nucleotide variant.
Coding change: c.1495-4C>T on transcript NM_002691.4 (MANE Select); 4 bases into the intron before coding-DNA position 1495, C replaced by T.
Molecular consequence: intron variant.
Genome position (GRCh38, 1-based): chr19:50,406,979, C>T. VCF-style: chr19-50406979-C-T. GRCh37 (hg19) VCF-style: chr19-50910236-C-T.
Other names: c.1495-4C>T (NM_001256849.1, NM_001308632.1).
Identifiers: ClinVar variation 1096791 (VCV001096791.11), dbSNP rs1409026154, ClinGen allele CA883190308.
Genomic context (GRCh38, chr19:50,406,979, plus strand): 5'-CTTCTCCTGCTCCACCTCCCACCCCCAACCCCTGGTCCCTGACCCCATCCGTGCCCATCC[C>T]CAGAATGGGAACGACCAGACCCGCCGCCGCCTGGCTGTGTACTGCCTGAAGGATGCCTAC-3'

ClinVar aggregate classification (germline): Conflicting classifications of pathogenicity. Review status: criteria provided, conflicting classifications (1 of 4 stars). 3 submissions from 3 submitters: Uncertain significance (1); Likely benign (2). Last evaluated 2025-02-06.

Conditions:
POLD1-related polyposis and colorectal cancer syndrome (CRCS10). Also called: Colorectal cancer, susceptibility to, 10; Colorectal cancer 10; COLORECTAL CANCER, SUSCEPTIBILITY TO, ON CHROMOSOME 19q. Identifiers: Orphanet 220460, MedGen C2675481, MONDO:0012953, OMIM 612591.

Allele frequency attached by ClinVar (database versions not stated): gnomAD 0.00001.
gnomAD v4.1: 1 of 1,588,880 alleles (0.000063%); highest among the groups gnomAD compares: Non-Finnish European, 0.000086%; no homozygotes.

Submissions (3):

Myriad Genetics, Inc.
Classification: Likely benign for POLD1-related polyposis and colorectal cancer syndrome. Last evaluated: 2025-02-06. Review status: criteria provided, single submitter. Criteria: Myriad Autosomal Dominant, Autosomal Recessive and X-Linked Classification Criteria (2023). Collection method: clinical testing. Allele origin: unknown.
Comment: This variant is considered likely benign. This variant is intronic and is not expected to impact mRNA splicing.

Labcorp Genetics (formerly Invitae), Labcorp
Classification: Likely benign for POLD1-related polyposis and colorectal cancer syndrome. Last evaluated: 2023-12-12. Review status: criteria provided, single submitter. Criteria: Invitae Variant Classification Sherloc (09022015). Collection method: clinical testing. Allele origin: germline.

GeneDx
Classification: Uncertain significance. Last evaluated: 2022-06-23. Review status: criteria provided, single submitter. Criteria: GeneDx Variant Classification Process June 2021. Collection method: clinical testing. Allele origin: germline. Affected: yes.
Comment: Not observed at significant frequency in large population cohorts (gnomAD); In silico analysis supports that this variant does not alter splicing; Has not been previously published as pathogenic or benign to our knowledge